The following is an entry in ClinVar:

NC_000012.11:g.(?_2566713)_(2800365_?)dup

Gene: CACNA1C (calcium voltage-gated channel subunit alpha1 C; plus strand). Cytogenetic location: 12p13.33.
Variant type: Duplication.
Identifiers: ClinVar variation 3244234 (VCV003244234.1).

ClinVar aggregate classification (germline): Uncertain significance (1 of 4 stars; one submission).

Conditions:
Long QT syndrome (LQTS). Identifiers: MedGen C0023976, MeSH D008133, MONDO:0002442. Disease mechanism: loss of function. Inheritance: Various modes of inheritance.

Submission:

Labcorp Genetics (formerly Invitae), Labcorp
Classification: Uncertain significance for Long QT syndrome. Last evaluated: 2023-01-03. Review status: criteria provided, single submitter. Criteria: Invitae Variant Classification Sherloc (09022015). Collection method: clinical testing. Allele origin: unknown.
Comment: In summary, the available evidence is currently insufficient to determine the role of this variant in disease. Therefore, it has been classified as a Variant of Uncertain Significance. This variant has not been reported in the literature in individuals affected with CACNA1C-related conditions. This variant results in a copy number gain of the genomic region encompassing exon(s) 5-47 of the CACNA1C gene. This region includes the termination codon of the gene. This copy number gain extends beyond the assayed region for this gene and therefore may encompass additional genes. As the precise location of this event is unknown, it may be in tandem or it may be located elsewhere in the genome.